The following is an entry in ClinVar:

ClinVar aggregate classification (germline): Benign (1 of 4 stars; one submission).

Allele frequency attached by ClinVar (database versions not stated): gnomAD exomes 0.50777; TOPMed 0.66209; 1000 Genomes Project 30x 0.81623; 1000 Genomes Project 0.81854.

Submission:

Unidad de Genómica Garrahan, Hospital de Pediatría Garrahan
Classification: Benign. Last evaluated: 2024-01-24. Review status: criteria provided, single submitter. Criteria: ACMG Guidelines, 2015. Collection method: clinical testing. Allele origin: germline. Affected: no. Observed: 47 variant alleles.
Comment: This variant is classified as Benign based on local population frequency. This variant was detected in 49% of patients studied by a panel of primary immunodeficiencies. Number of patients: 47. Only high quality variants are reported.

NM_018990.4(SASH3):c.*82T>C

Gene: SASH3 (SAM and SH3 domain containing 3; plus strand). Cytogenetic location: Xq26.1.
Variant type: single nucleotide variant.
Coding change: c.*82T>C on transcript NM_018990.4 (MANE Select); 82 bases downstream of the stop codon, T replaced by C.
Molecular consequence: 3 prime UTR variant.
Genome position (GRCh38, 1-based): chrX:129,793,914, T>C. VCF-style: chrX-129793914-T-C. GRCh37 (hg19) VCF-style: chrX-128927890-T-C.
Identifiers: ClinVar variation 2688124 (VCV002688124.2), dbSNP rs859577, ClinGen allele CA15014987.
Genomic context (GRCh38, chrX:129,793,914, plus strand): 5'-AGGCTGGGACCCAGCTGCAAAGGCTGTAGGAGTGGGCCCAGCCTCCCGTGGTGGCCCAGG[T>C]CCTGAGGACTGGCACTGAGCCTGGCCCTGCTTCCCCAGGGACACTTAGGGCCACAGAGGC-3'